The following is an entry in ClinVar:

ClinVar aggregate classification (germline): Pathogenic (1 of 4 stars; one submission).

Conditions:
Rubinstein-Taybi syndrome (RSTS). Identifiers: Orphanet 783, MedGen C0035934, MONDO:0019188.

Submission:

Labcorp Genetics (formerly Invitae), Labcorp
Classification: Pathogenic for Rubinstein-Taybi syndrome. Last evaluated: 2019-09-08. Review status: criteria provided, single submitter. Criteria: Invitae Variant Classification Sherloc (09022015). Collection method: clinical testing. Allele origin: germline.
Comment: For these reasons, this variant has been classified as Pathogenic. Loss-of-function variants in CREBBP are known to be pathogenic (PMID: 17052327, 18792986). This variant has not been reported in the literature in individuals with CREBBP-related conditions. This variant is not present in population databases (ExAC no frequency). This sequence change creates a premature translational stop signal (p.Cys1212Leufs*20) in the CREBBP gene. It is expected to result in an absent or disrupted protein product.

Literature cited by the submitters: PubMed 17052327; PubMed 18792986.

NM_004380.3(CREBBP):c.3634_3638del (p.Cys1212fs)

Gene: CREBBP (CREB binding lysine acetyltransferase; minus strand). Cytogenetic location: 16p13.3.
Variant type: Deletion.
Coding change: c.3634_3638del on transcript NM_004380.3 (MANE Select); coding-DNA positions 3634 to 3638, 5 bases deleted (TGCTG; older notation c.3634_3638delTGCTG).
Protein change: p.Cys1212fs; shifts the reading frame from cysteine 1212.
Molecular consequence: frameshift variant.
Genome position (GRCh38, 1-based): chr16:3,757,348-3,757,352, CAGCA deleted on the plus strand (TGCTG on the coding strand, the reverse complement: CREBBP is on the minus strand); deleting any 5 consecutive bases within chr16:3,757,348-3,757,354 gives the same sequence; the c. name uses the placement nearest the transcript's 3' end. VCF-style (leftmost placement, unchanged base first): chr16-3757347-GCAGCA-G. GRCh37 (hg19) VCF-style: chr16-3807348-GCAGCA-G.
Other names: c.3520_3524del, p.Cys1174fs (NM_001079846.1); short protein forms C1212fs, C1174fs.
Identifiers: ClinVar variation 936816 (VCV000936816.7), dbSNP rs2052610724, ClinGen allele CA1139664471.